The following is an entry in ClinVar:

ClinVar aggregate classification (germline): Uncertain significance (1 of 4 stars; one submission).

Conditions:
Lysinuric protein intolerance (LPI). Identifiers: Orphanet 470, MedGen C0268647, MONDO:0009109, OMIM 222700.

Submission:

Labcorp Genetics (formerly Invitae), Labcorp
Classification: Uncertain significance for Lysinuric protein intolerance. Last evaluated: 2024-03-31. Review status: criteria provided, single submitter. Criteria: Invitae Variant Classification Sherloc (09022015). Collection method: clinical testing. Allele origin: germline.
Comment: This sequence change affects codon 420 of the SLC7A7 mRNA. It is a 'silent' change, meaning that it does not change the encoded amino acid sequence of the SLC7A7 protein. This variant is not present in population databases (gnomAD no frequency). This variant has not been reported in the literature in individuals affected with SLC7A7-related conditions. Algorithms developed to predict the effect of sequence changes on RNA splicing suggest that this variant may disrupt the consensus splice site. In summary, the available evidence is currently insufficient to determine the role of this variant in disease. Therefore, it has been classified as a Variant of Uncertain Significance.

NM_003982.4(SLC7A7):c.1260C>T (p.Phe420=)

Gene: SLC7A7 (solute carrier family 7 member 7; minus strand). Cytogenetic location: 14q11.2.
Variant type: single nucleotide variant.
Coding change: c.1260C>T on transcript NM_003982.4 (MANE Select); coding-DNA position 1260, C replaced by T.
Protein change: p.Phe420=; no amino-acid change (phenylalanine 420 retained).
Molecular consequence: synonymous variant.
Genome position (GRCh38, 1-based): chr14:22,774,102, G>A on the plus strand (C>T on the coding strand, the complement: SLC7A7 is on the minus strand). VCF-style: chr14-22774102-G-A. GRCh37 (hg19) VCF-style: chr14-23243311-G-A.
Other names: c.1260C>T, p.Phe420= (NM_001126105.3, NM_001126106.4).
Identifiers: ClinVar variation 3691216 (VCV003691216.2).
Genomic context (GRCh38, chr14:22,774,102, plus strand): 5'-AGTATCACTGTAAAGTGGAACAGCCACCAGGAAGATGGTGCAGAGGCAGAAGACAATCGG[G>A]AAGAAAACGCTGAGCTAAGGGCACAGGAAACATAACTGGAGTGGACAACTCAGGATTCTT-3'
Protein context (NP_003973.3, residues 410-430): RPRPLKLSVF[Phe420=]PIVFCLCTIF